The following is an entry in ClinVar:

NM_015338.6(ASXL1):c.2819delinsCCCC (p.Leu940delinsSerPro)

Gene: ASXL1 (ASXL transcriptional regulator 1; plus strand). Cytogenetic location: 20q11.21.
Variant type: Indel.
Coding change: c.2819delinsCCCC on transcript NM_015338.6 (MANE Select); coding-DNA position 2819, T replaced by CCCC.
Protein change: p.Leu940delinsSerPro.
Molecular consequence: inframe indel.
Genome position (GRCh38, 1-based): chr20:32,435,531, T replaced by CCCC. VCF-style: chr20-32435531-T-CCCC. GRCh37 (hg19) VCF-style: chr20-31023334-T-CCCC.
Other names: c.2636delinsCCCC, p.Leu879delinsSerPro (NM_001363734.1); c.2819delTinsCCCC, p.Leu940delinsSerPro (NM_015338.5).
Identifiers: ClinVar variation 3028977 (VCV003028977.2), dbSNP rs2515571933, ClinGen allele CA2740097057.
Genomic context (GRCh38, chr20:32,435,531, plus strand): 5'-CATCTGTTGAGCCCCAGGTTGGAGAGGAGTGGGAGAAAGCTGCTCCCACCCCTCCTGCAT[T>CCCC]GCCTGGGGATTTGACAGCTGAGGAGGGTCTAGATCCTCTTGACAGCCTTACTTCACTCTG-3'

ClinVar aggregate classification (germline): Uncertain significance (0 of 4 stars; one submission).

Conditions:
ASXL1-related disorder. Also called: ASXL1-related condition; ASXL1-related disorders.

Submission:

PreventionGenetics, part of Exact Sciences
Classification: Uncertain significance for ASXL1-related condition. Last evaluated: 2023-10-25. Review status: no assertion criteria provided. Collection method: clinical testing. Allele origin: germline.
Comment: The ASXL1 c.2819delinsCCCC variant is predicted to result in an in-frame deletion and insertion. To our knowledge, this variant has not been reported in the literature or in a large population database, indicating this variant is rare. Although we suspect that this variant may be pathogenic, at this time, the clinical significance of this variant is uncertain due to the absence of conclusive functional and genetic evidence.